The following is an entry in ClinVar:

ClinVar aggregate classification (germline): Uncertain significance (1 of 4 stars; one submission).

Conditions:
Left ventricular noncompaction 1 (LVNC1). Also called: LEFT VENTRICULAR NONCOMPACTION 1 WITH OR WITHOUT CONGENITAL HEART DEFECTS. Identifiers: Orphanet 54260, MedGen C1858725, MONDO:0011403, OMIM 604169.

Allele frequency attached by ClinVar (database versions not stated): ExAC 0.00002.
gnomAD v4.1: 24 of 1,613,872 alleles (0.0015%); highest among the groups gnomAD compares: South Asian, 0.016%; no homozygotes.

Submission:

Labcorp Genetics (formerly Invitae), Labcorp
Classification: Uncertain significance for Left ventricular noncompaction 1. Last evaluated: 2025-06-18. Review status: criteria provided, single submitter. Criteria: Invitae Variant Classification Sherloc (09022015). Collection method: clinical testing. Allele origin: germline.
Comment: This sequence change replaces arginine, which is basic and polar, with cysteine, which is neutral and slightly polar, at codon 691 of the DTNA protein (p.Arg691Cys). This variant is present in population databases (rs368868084, gnomAD 0.02%). This variant has not been reported in the literature in individuals affected with DTNA-related conditions. ClinVar contains an entry for this variant (Variation ID: 2964670). An algorithm developed to predict the effect of missense changes on protein structure and function (PolyPhen-2) suggests that this variant is likely to be disruptive. In summary, the available evidence is currently insufficient to determine the role of this variant in disease. Therefore, it has been classified as a Variant of Uncertain Significance.

NM_001386795.1(DTNA):c.2152C>T (p.Arg718Cys)

Gene: DTNA (dystrobrevin alpha; plus strand). Cytogenetic location: 18q12.1.
Variant type: single nucleotide variant.
Coding change: c.2152C>T on transcript NM_001386795.1 (MANE Select); coding-DNA position 2152, C replaced by T.
Protein change: p.Arg718Cys; replaces arginine 718 with cysteine.
Molecular consequence: missense variant.
Genome position (GRCh38, 1-based): chr18:34,879,709, C>T. VCF-style: chr18-34879709-C-T. GRCh37 (hg19) VCF-style: chr18-32459673-C-T.
Other names: c.1027C>T, p.Arg343Cys (NM_001198944.1); c.1891C>T, p.Arg631Cys (NM_001386753.1, NM_001198938.2, NM_001198940.2 and 5 more transcripts); c.1981C>T, p.Arg661Cys (NM_001386754.1, NM_001386755.1, NM_001386756.1 and 3 more transcripts); c.1978C>T, p.Arg660Cys (NM_001386760.1); c.2071C>T, p.Arg691Cys (NM_001390.5); c.1900C>T, p.Arg634Cys (NM_032975.4, NM_001386761.1); c.1015C>T, p.Arg339Cys (NM_032980.4); c.1912C>T, p.Arg638Cys (NM_001198939.2); and 5 more; short protein forms R634C, R660C, R400C, R630C, R631C, R633C, R661C, R691C.
Identifiers: ClinVar variation 2964670 (VCV002964670.3), dbSNP rs368868084, ClinGen allele CA8935940.
Genomic context (GRCh38, chr18:34,879,709, plus strand): 5'-GCGCAAATCCATGCCCGAAAACCTGGGTACATTCACAGTGGAGCTACCACAAGTACCATG[C>T]GTGGCGACATGTGAGTATCTTCCGCTTGGAAGCATTTTCTCAGTAACAAAACAATCTGTA-3'
Protein context (NP_001373724.1, residues 708-728): IHSGATTSTM[Arg718Cys]GDMVTEDADP